The following is an entry in ClinVar:

ClinVar aggregate classification (germline): Uncertain significance (1 of 4 stars; one submission).

Conditions:
Gastrointestinal stromal tumor. Also called: Gastrointestinal stromal tumor, somatic; Gastrointestinal stroma tumor. Identifiers: Orphanet 44890, MedGen C0238198, MeSH D046152, MONDO:0011719, OMIM 606764, HP:0100723.

Submission:

Labcorp Genetics (formerly Invitae), Labcorp
Classification: Uncertain significance for Gastrointestinal stromal tumor. Last evaluated: 2024-09-26. Review status: criteria provided, single submitter. Criteria: Invitae Variant Classification Sherloc (09022015). Collection method: clinical testing. Allele origin: germline.
Comment: This sequence change results in a frameshift in the KIT gene (p.Ala964Glyfs*85). While this is not anticipated to result in nonsense mediated decay, it is expected to disrupt the last 13 amino acid(s) of the KIT protein and extend the protein by 71 additional amino acid residues. This variant is not present in population databases (gnomAD no frequency). This variant has not been reported in the literature in individuals affected with KIT-related conditions. Experimental studies and prediction algorithms are not available or were not evaluated, and the functional significance of this variant is currently unknown. In summary, the available evidence is currently insufficient to determine the role of this variant in disease. Therefore, it has been classified as a Variant of Uncertain Significance.

NM_000222.3(KIT):c.2890dup (p.Ala964fs)

Gene: KIT (KIT proto-oncogene, receptor tyrosine kinase; plus strand). Cytogenetic location: 4q12.
Variant type: Duplication.
Coding change: c.2890dup on transcript NM_000222.3 (MANE Select); coding-DNA position 2890, one base duplicated (G; older notation c.2890dupG).
Protein change: p.Ala964fs; shifts the reading frame from alanine 964.
Molecular consequence: frameshift variant.
Genome position (GRCh38, 1-based): chr4:54,738,516, G duplicated. VCF-style (leftmost placement, unchanged base first): chr4-54738515-C-CG. GRCh37 (hg19) VCF-style: chr4-55604681-C-CG.
Other names: c.2878dup, p.Ala960fs (NM_001093772.2, NM_001385292.1); c.2893dup, p.Ala965fs (NM_001385284.1); c.2887dup, p.Ala963fs (NM_001385285.1); c.2875dup, p.Ala959fs (NM_001385286.1); c.2881dup, p.Ala961fs (NM_001385288.1); c.2890dup, p.Ala964fs (NM_001385290.1); short protein forms A959fs, A961fs, A960fs, A965fs, A963fs, A964fs.
Identifiers: ClinVar variation 3721586 (VCV003721586.2).
Genomic context (GRCh38, chr4:54,738,515, plus strand): 5'-CCCCAACCGACAGAAGCCCGTGGTAGACCATTCTGTGCGGATCAATTCTGTCGGCAGCAC[C>CG]GCTTCCTCCTCCCAGCCTCTGCTTGTGCACGACGATGTCTGAGCAGAATCAGTGTTTGGG-3'